The following is an entry in ClinVar:

NM_203446.3(SYNJ1):c.685A>C (p.Asn229His)

Gene: SYNJ1 (synaptojanin 1; minus strand). Cytogenetic location: 21q22.11.
Variant type: single nucleotide variant.
Coding change: c.685A>C on transcript NM_203446.3 (MANE Select); coding-DNA position 685, A replaced by C.
Protein change: p.Asn229His; replaces asparagine 229 with histidine.
Molecular consequence: missense variant.
Genome position (GRCh38, 1-based): chr21:32,695,077, T>G on the plus strand (A>C on the coding strand, the complement: SYNJ1 is on the minus strand). VCF-style: chr21-32695077-T-G. GRCh37 (hg19) VCF-style: chr21-34067387-T-G.
Other names: c.685A>C, p.Asn229His (NM_001160302.2, NM_001160306.2); c.802A>C, p.Asn268His (NM_003895.4); short protein forms N229H, N268H.
Identifiers: ClinVar variation 1390936 (VCV001390936.6), dbSNP rs1430187026, ClinGen allele CA410098055.

ClinVar aggregate classification (germline): Uncertain significance. Review status: criteria provided, multiple submitters, no conflicts (2 of 4 stars). 2 submissions from 2 submitters: Uncertain significance (2). Last evaluated 2024-12-02.

Conditions:
Inborn genetic diseases. Identifiers: MedGen C0950123, MeSH D030342.
Developmental and epileptic encephalopathy, 53. Also called: Epileptic encephalopathy, early infantile, 53. Identifiers: MedGen C4479313, MONDO:0033362, OMIM 617389.
Early-onset Parkinson disease 20. Also called: PARKINSON DISEASE 20, AUTOSOMAL RECESSIVE EARLY-ONSET. Identifiers: Orphanet 391411, MedGen C3809824, MONDO:0014233, OMIM 615530.

Allele frequency attached by ClinVar (database versions not stated): gnomAD exomes 0.00001; gnomAD 0.00002; TOPMed 0.00002.

Submissions (2):

Labcorp Genetics (formerly Invitae), Labcorp
Classification: Uncertain significance for Developmental and epileptic encephalopathy, 53; Early-onset Parkinson disease 20. Last evaluated: 2024-12-02. Review status: criteria provided, single submitter. Criteria: Invitae Variant Classification Sherloc (09022015). Collection method: clinical testing. Allele origin: germline.
Comment: This sequence change replaces asparagine, which is neutral and polar, with histidine, which is basic and polar, at codon 268 of the SYNJ1 protein (p.Asn268His). This variant is present in population databases (no rsID available, gnomAD 0.007%). This variant has not been reported in the literature in individuals affected with SYNJ1-related conditions. ClinVar contains an entry for this variant (Variation ID: 1390936). Invitae Evidence Modeling of protein sequence and biophysical properties (such as structural, functional, and spatial information, amino acid conservation, physicochemical variation, residue mobility, and thermodynamic stability) indicates that this missense variant is expected to disrupt SYNJ1 protein function with a positive predictive value of 80%. In summary, the available evidence is currently insufficient to determine the role of this variant in disease. Therefore, it has been classified as a Variant of Uncertain Significance.

Ambry Genetics
Classification: Uncertain significance for Inborn genetic diseases. Last evaluated: 2022-01-26. Review status: criteria provided, single submitter. Criteria: Ambry Variant Classification Scheme 2023. Collection method: clinical testing. Allele origin: germline.